The following is an entry in ClinVar:

ClinVar aggregate classification (germline): Uncertain significance (1 of 4 stars; one submission).

Conditions:
Dilated cardiomyopathy 1G (CMD1G). Identifiers: Orphanet 154, MedGen C1858763, MONDO:0011400, OMIM 604145.
Autosomal recessive limb-girdle muscular dystrophy type 2J (LGMDR10). Also called: Limb-girdle muscular dystrophy, type 2J; MUSCULAR DYSTROPHY, LIMB-GIRDLE, AUTOSOMAL RECESSIVE 10. Identifiers: Orphanet 140922, MedGen C1837342, MONDO:0012127, OMIM 608807.

gnomAD v4.1: 1 of 1,613,998 alleles (0.000062%); highest among the groups gnomAD compares: Admixed American, 0.0017%; no homozygotes.

Submission:

Labcorp Genetics (formerly Invitae), Labcorp
Classification: Uncertain significance for Dilated cardiomyopathy 1G; Autosomal recessive limb-girdle muscular dystrophy type 2J. Last evaluated: 2025-10-21. Review status: criteria provided, single submitter. Criteria: Invitae Variant Classification Sherloc (09022015). Collection method: clinical testing. Allele origin: germline.
Comment: This sequence change replaces lysine, which is basic and polar, with threonine, which is neutral and polar, at codon 34500 of the TTN protein (p.Lys34500Thr). This variant is not present in population databases (gnomAD no frequency). This variant has not been reported in the literature in individuals affected with TTN-related conditions. ClinVar contains an entry for this variant (Variation ID: 3748605). Experimental studies and prediction algorithms are not available or were not evaluated, and the functional significance of this variant is currently unknown. This variant is located in the M band of TTN (PMID: 25589632). Non-truncating variants in this region may be relevant for neuromuscular disorders, but have not been definitively shown to cause cardiomyopathy (PMID: 23975875). In summary, the available evidence is currently insufficient to determine the role of this variant in disease. Therefore, it has been classified as a Variant of Uncertain Significance.

Literature cited by the submitters: PubMed 25589632; PubMed 23975875.

NM_001267550.2(TTN):c.103499A>C (p.Lys34500Thr)

Genes: TTN-AS1 (TTN antisense RNA 1; plus strand), TTN (titin; minus strand). Cytogenetic location: 2q31.2.
Variant type: single nucleotide variant.
Coding change: c.103499A>C on transcript NM_001267550.2 (MANE Select); coding-DNA position 103499, A replaced by C.
Protein change: p.Lys34500Thr; replaces lysine 34500 with threonine.
Molecular consequence: missense variant.
Genome position (GRCh38, 1-based): chr2:178,533,116, T>G on the plus strand (A>C on the coding strand, the complement: TTN is on the minus strand). VCF-style: chr2-178533116-T-G. GRCh37 (hg19) VCF-style: chr2-179397843-T-G.
Other names: c.98576A>C, p.Lys32859Thr (NM_001256850.1); c.76304A>C, p.Lys25435Thr (NM_003319.4); c.95795A>C, p.Lys31932Thr (NM_133378.4); c.76679A>C, p.Lys25560Thr (NM_133432.3); c.76880A>C, p.Lys25627Thr (NM_133437.4); short protein forms K25435T, K25560T, K25627T, K31932T, K32859T, K34500T.
Identifiers: ClinVar variation 3748605 (VCV003748605.2).